The following is an entry in ClinVar:

NM_003924.4(PHOX2B):c.729_749dup (p.Ala254_Ala260dup)

Genes: PHOX2B (paired like homeobox 2B; minus strand), LOC110011216 (paired like homeobox 2b polyalanine repeat instability region; plus strand). Cytogenetic location: 4p13.
Variant type: Duplication.
Coding change: c.729_749dup on transcript NM_003924.4 (MANE Select); coding-DNA positions 729 to 749, 21 bases duplicated (AGCGGCGGCGGCCGCGGCAGC).
Protein change: p.Ala254_Ala260dup.
Molecular consequence: inframe insertion.
Genome position (GRCh38, 1-based): chr4:41,746,003-41,746,023, GCTGCCGCGGCCGCCGCCGCT duplicated on the plus strand (AGCGGCGGCGGCCGCGGCAGC on the coding strand, the reverse complement: PHOX2B is on the minus strand); duplicating any 21 consecutive bases within chr4:41,746,003-41,746,028 gives the same sequence; the c. name uses the placement nearest the transcript's 3' end. VCF-style (leftmost placement, unchanged base first): chr4-41746002-C-CGCTGCCGCGGCCGCCGCCGCT. GRCh37 (hg19) VCF-style: chr4-41748019-C-CGCTGCCGCGGCCGCCGCCGCT.
Other names: c.729_749dupAGCGGCGGCGGCCGCGGCAGC (NM_003924.4).
Identifiers: ClinVar variation 506167 (VCV000506167.6), dbSNP rs772448418, ClinGen allele CA658796423.

ClinVar aggregate classification (germline): Pathogenic/Likely pathogenic. Review status: criteria provided, multiple submitters, no conflicts (2 of 4 stars). 2 submissions from 2 submitters: Pathogenic (1); Likely pathogenic (1). Last evaluated 2025-08-23.

Conditions:
Congenital central hypoventilation. Also called: Congenital Central Hypoventilation Syndrome. Identifiers: Orphanet 661, Orphanet 99803, MedGen C1275808, MONDO:0800031. Disease mechanism: gain of function.
Central hypoventilation syndrome, congenital, 1, with or without Hirschsprung disease (CCHS1). Also called: CENTRAL HYPOVENTILATION SYNDROME, CONGENITAL, 1; AUTONOMIC CONTROL, CONGENITAL FAILURE OF; ONDINE CURSE, CONGENITAL; Congenital Central Hypoventilation Syndrome (CCHS); Central hypoventilation syndrome, congenital, 1, with or without Hirschsprung. Identifiers: Orphanet 661, MedGen C5562075, MONDO:0800026, OMIM 209880.

Submissions (2):

Centre for Medical Genetics,  Mumbai
Classification: Likely pathogenic for Central hypoventilation syndrome, congenital, 1, with or without Hirschsprung disease. Last evaluated: 2025-08-23. Review status: criteria provided, single submitter. Criteria: ACMG Guidelines, 2015. Collection method: clinical testing. Allele origin: germline. Affected: yes. Observed: 1 heterozygote.

Laboratory for Molecular Medicine, Mass General Brigham Personalized Medicine
Classification: Pathogenic for Central hypoventilation syndrome, congenital, 1, with or without Hirschsprung disease. Last evaluated: 2017-10-02. Review status: criteria provided, single submitter. Criteria: LMM Criteria. Collection method: clinical testing. Allele origin: germline. Inheritance: Autosomal dominant inheritance. Observed: 1 variant allele.
Comment: The p.Ala241[27] variant in PHOX2B is a well-established pathogenic variant for CCHS, which has been reported in >200 affected individuals across multiple studi es (Weese-Mayer 2010). This variant is a 21bp duplication within a polyalanine t ract in exon 3 of the PHOX2B gene, resulting in an expansion to a total of 27 al anine residues. It frequently occurs de novo, though autosomal dominant inherita nce and somatic mosaicism have also been reported. In summary, this variant meet s our criteria to be classified as pathogenic for CCHS in an autosomal dominant manner.

Literature cited by the submitters: PubMed 20208042 (cited by Laboratory for Molecular Medicine, Mass General Brigham Personalized Medicine).